The following is an entry in ClinVar:

ClinVar aggregate classification (germline): Uncertain significance (1 of 4 stars; one submission).

Conditions:
Hereditary spastic paraplegia 4. Also called: Spastic Paraplegia 4; Spastic paraplegia 4, autosomal dominant; Familial spastic paraplegia autosomal dominant 2. Identifiers: Orphanet 100985, MedGen C1866855, MONDO:0008438, OMIM 182601.

Submission:

Labcorp Genetics (formerly Invitae), Labcorp
Classification: Uncertain significance for Hereditary spastic paraplegia 4. Last evaluated: 2026-01-14. Review status: criteria provided, single submitter. Criteria: Invitae Variant Classification Sherloc (09022015). Collection method: clinical testing. Allele origin: germline.
Comment: This sequence change falls in intron 13 of the SPAST gene. It does not directly change the encoded amino acid sequence of the SPAST protein. This variant is not present in population databases (gnomAD no frequency). This variant has not been reported in the literature in individuals affected with SPAST-related conditions. Algorithms developed to predict the effect of sequence changes on RNA splicing suggest that this variant may disrupt the consensus splice site. In summary, the available evidence is currently insufficient to determine the role of this variant in disease. Therefore, it has been classified as a Variant of Uncertain Significance.

NM_014946.4(SPAST):c.1537-5T>G

Gene: SPAST (spastin; plus strand). Cytogenetic location: 2p22.3.
Variant type: single nucleotide variant.
Coding change: c.1537-5T>G on transcript NM_014946.4 (MANE Select); 5 bases into the intron before coding-DNA position 1537, T replaced by G.
Molecular consequence: intron variant.
Genome position (GRCh38, 1-based): chr2:32,143,331, T>G. VCF-style: chr2-32143331-T-G. GRCh37 (hg19) VCF-style: chr2-32368400-T-G.
Other names: c.1441-5T>G (NM_199436.2, NM_001377959.1); c.1534-5T>G (NM_001363823.2); c.1438-5T>G (NM_001363875.2).
Identifiers: ClinVar variation 4735411 (VCV004735411.1).
Genomic context (GRCh38, chr2:32,143,331, plus strand): 5'-TAAAAAAAGAAAAGAATCATTAATTCTGAAATTAGACTGAATGATCATTTTTTAATATTT[T>G]TCAGACAAGACTACTTTTGCTTAAAAATCTGTTATGTAAACAAGGAAGTCCATTGACCCA-3'